The following is an entry in ClinVar:

ClinVar aggregate classification (germline): Uncertain significance. Review status: criteria provided, multiple submitters, no conflicts (2 of 4 stars). 13 submissions from 13 submitters: Uncertain significance (12). 1 of the submissions does not count toward it. Last evaluated 2026-07-01.

Conditions:
MYO3A-related disorder. Also called: MYO3A-related condition.
Inborn genetic diseases. Identifiers: MedGen C0950123, MeSH D030342.
Autosomal recessive nonsyndromic hearing loss 30. Identifiers: Orphanet 90636, MedGen C1846784, MONDO:0011774, OMIM 607101.
Hearing impairment. Also called: Impaired Hearing. Identifiers: MedGen C1384666, MONDO:0005365, HP:0000365.

Allele frequency attached by ClinVar (database versions not stated): 1000 Genomes Project 30x 0.00031; 1000 Genomes Project 0.00040; TOPMed 0.00088; gnomAD 0.00094; ESP Exome Variant Server 0.00108.
gnomAD v4.1: 1,804 of 1,611,934 alleles (0.11%); highest among the groups gnomAD compares: Non-Finnish European, 0.14%; 3 homozygotes.

Submissions (13):

PreventionGenetics, part of Exact Sciences
Classification: Uncertain significance for MYO3A-related condition. Last evaluated: 2026-07-01. Review status: criteria provided, single submitter. Criteria: ACMG Guidelines, 2015. Collection method: clinical testing. Allele origin: germline.
Comment: The MYO3A c.170A>C variant is predicted to result in the amino acid substitution p.Asp57Ala. This variant was reported in heterozygous state in an individual with hearing loss who had also loss-of-function carrier variant in PDZD7 gene (Table 3, Tlili et al. 2024. PubMed ID: 38844983) and in cohort of individuals unaffected by hearing loss (Table S6, Quaio et al. 2022. PubMed ID: 36147510). This variant is reported in 0.12% of alleles in individuals of European (Non-Finnish) descent in gnomAD. Although we suspect that this variant may be benign, at this time, the clinical significance of this variant is uncertain due to the absence of conclusive functional and genetic evidence.

Women's Health and Genetics/Laboratory Corporation of America, LabCorp
Classification: Uncertain significance. Last evaluated: 2026-02-18. Review status: criteria provided, single submitter. Criteria: LabCorp Variant Classification Summary - May 2015. Collection method: clinical testing. Allele origin: germline.
Comment: Variant summary: MYO3A c.170A>C (p.Asp57Ala) results in a non-conservative amino acid change located in the Protein kinase domain (IPR000719) of the encoded protein sequence. Algorithms developed to predict the effect of missense changes on protein structure and function are either unavailable or do not agree on the potential impact of this missense change. The variant allele was found at a frequency of 0.00072 in 254908 control chromosomes in the gnomAD database, including 1 homozygotes. This frequency is not significantly higher than estimated for disease-causing variants in MYO3A, allowing no conclusion about variant significance. c.170A>C has been observed in at least one individual affected with hearing loss (Tlili_2024). However, these report(s) do not provide unequivocal conclusions about association of the variant with Autosomal Recessive Nonsyndromic Hearing Loss 30. To our knowledge, no experimental evidence demonstrating an impact on protein function has been reported. The following publications have been ascertained in the context of this evaluation (PMID: 36147510, 38844983). ClinVar contains an entry for this variant (Variation ID: 45800). Based on the evidence outlined above, the variant was classified as uncertain significance.

Labcorp Genetics (formerly Invitae), Labcorp
Classification: Uncertain significance. Last evaluated: 2025-10-23. Review status: criteria provided, single submitter. Criteria: Invitae Variant Classification Sherloc (09022015). Collection method: clinical testing. Allele origin: germline.
Comment: This sequence change replaces aspartic acid, which is acidic and polar, with alanine, which is neutral and non-polar, at codon 57 of the MYO3A protein (p.Asp57Ala). This variant is present in population databases (rs146511800, gnomAD 0.1%), and has an allele count higher than expected for a pathogenic variant. This missense change has been observed in individual(s) with deafness (PMID: 38844983). ClinVar contains an entry for this variant (Variation ID: 45800). An algorithm developed to predict the effect of missense changes on protein structure and function (PolyPhen-2) suggests that this variant is likely to be disruptive. In summary, the available evidence is currently insufficient to determine the role of this variant in disease. Therefore, it has been classified as a Variant of Uncertain Significance.

Blueprint Genetics
Classification: Uncertain significance. Last evaluated: 2024-11-26. Review status: criteria provided, single submitter. Criteria: ACMG Guidelines, 2015. Collection method: clinical testing. Allele origin: germline.

GeneDx
Classification: Uncertain significance. Last evaluated: 2022-02-15. Review status: criteria provided, single submitter. Criteria: GeneDx Variant Classification Process June 2021. Collection method: clinical testing. Allele origin: germline. Affected: yes.
Comment: In silico analysis, which includes protein predictors and evolutionary conservation, supports a deleterious effect; Has not been previously published as pathogenic or benign to our knowledge

Department of Pathology and Laboratory Medicine, Sinai Health System
Classification: Uncertain significance for Autosomal recessive nonsyndromic hearing loss 30. Last evaluated: 2021-07-30. Review status: criteria provided, single submitter. Criteria: ACMG Guidelines, 2015. Collection method: research. Allele origin: germline.

Ambry Genetics
Classification: Uncertain significance for Inborn genetic diseases. Last evaluated: 2021-07-20. Review status: criteria provided, single submitter. Criteria: Ambry Variant Classification Scheme 2023. Collection method: clinical testing. Allele origin: germline.

Fulgent Genetics
Classification: Uncertain significance for Autosomal recessive nonsyndromic hearing loss 30. Last evaluated: 2018-10-31. Review status: criteria provided, single submitter. Criteria: ACMG Guidelines, 2015. Collection method: clinical testing. Allele origin: unknown.

Illumina Laboratory Services, Illumina
Classification: Uncertain significance for Autosomal recessive nonsyndromic hearing loss 30. Last evaluated: 2018-01-12. Review status: criteria provided, single submitter. Criteria: ICSL Variant Classification Criteria 13 December 2019. Collection method: clinical testing. Allele origin: germline.

CeGaT Center for Human Genetics Tuebingen
Classification: Uncertain significance. Last evaluated: 2017-10-01. Review status: criteria provided, single submitter. Criteria: CeGaT Center For Human Genetics Tuebingen Variant Classification Criteria Version 2. Collection method: clinical testing. Allele origin: germline. Affected: yes. Observed: 1 variant allele.

Eurofins Ntd Llc (ga)
Classification: Uncertain significance. Last evaluated: 2017-03-31. Review status: criteria provided, single submitter. Criteria: EGL Classification Definitions 2015. Collection method: clinical testing. Allele origin: germline. Observed: 1 variant allele, 1 heterozygote.

Laboratory for Molecular Medicine, Mass General Brigham Personalized Medicine
Classification: Uncertain significance. Last evaluated: 2015-06-05. Review status: criteria provided, single submitter. Criteria: LMM Criteria. Collection method: clinical testing. Allele origin: germline. Observed: 4 variant alleles.
Comment: The p.Asp57Ala variant in MYO3A has been previously identified by our laboratory in 3 individuals with hearing loss; however a second MYO3A variant was not dete cted in any of these individuals. It has also been identified in 0.1% (61/66602) of European chromosomes by the Exome Aggregation Consortium (ExAC.; dbSNP rs146511800); however this frequency is not high enoug h to rule out a pathogenic role. Computational prediction tools and conservation analysis suggest that this variant may impact the protein, though this informat ion is not predictive enough to determine pathogenicity. In summary, the clinica l significance of the p.Asp57Ala variant is uncertain.

Department of Otolaryngology – Head & Neck Surgery, Cochlear Implant Center
Classification: Likely pathogenic for Hearing impairment. Last evaluated: 2021-04-12. Review status: flagged submission. Criteria: ClinGen HL ACMG Specifications v1. Collection method: clinical testing. Allele origin: germline. Affected: yes. Not counted in ClinVar's aggregate classification.
Comment: PM2_Moderate, PP3_Strong
ClinVar note: Reason: Outlier claim with insufficient supporting evidence

Literature cited by the submitters: PubMed 36147510 (cited by Women's Health and Genetics/Laboratory Corporation of America, LabCorp); PubMed 38844983 (cited by Women's Health and Genetics/Laboratory Corporation of America, LabCorp and Labcorp Genetics (formerly Invitae), Labcorp).

NM_017433.5(MYO3A):c.170A>C (p.Asp57Ala)

Gene: MYO3A (myosin IIIA; plus strand). Cytogenetic location: 10p12.1.
Variant type: single nucleotide variant.
Coding change: c.170A>C on transcript NM_017433.5 (MANE Select); coding-DNA position 170, A replaced by C.
Protein change: p.Asp57Ala; replaces aspartic acid 57 with alanine.
Molecular consequence: missense variant.
Genome position (GRCh38, 1-based): chr10:25,954,875, A>C. VCF-style: chr10-25954875-A-C. GRCh37 (hg19) VCF-style: chr10-26243804-A-C.
Other names: c.170A>C, p.Asp57Ala (NM_001368265.1); short protein forms D57A.
Identifiers: ClinVar variation 45800 (VCV000045800.71), dbSNP rs146511800, ClinGen allele CA137063.